The following is an entry in ClinVar:

NM_000179.3(MSH6):c.1393G>C (p.Ala465Pro)

Gene: MSH6 (mutS homolog 6; plus strand). Cytogenetic location: 2p16.3.
Variant type: single nucleotide variant.
Coding change: c.1393G>C on transcript NM_000179.3 (MANE Select); coding-DNA position 1393, G replaced by C.
Protein change: p.Ala465Pro; replaces alanine 465 with proline.
Molecular consequence: missense variant.
Genome position (GRCh38, 1-based): chr2:47,799,376, G>C. VCF-style: chr2-47799376-G-C. GRCh37 (hg19) VCF-style: chr2-48026515-G-C.
Other names: c.1003G>C, p.Ala335Pro (NM_001281492.2); c.487G>C, p.Ala163Pro (NM_001281493.2, NM_001281494.2); short protein forms A465P, A163P, A335P.
Identifiers: ClinVar variation 631370 (VCV000631370.15), dbSNP rs1553412810, ClinGen allele CA346745126.

ClinVar aggregate classification (germline): Uncertain significance. Review status: criteria provided, multiple submitters, no conflicts (2 of 4 stars). 3 submissions from 3 submitters: Uncertain significance (3). Last evaluated 2025-08-19.

Conditions:
Hereditary nonpolyposis colorectal neoplasms. Identifiers: MedGen C0009405, MeSH D003123.
Hereditary cancer-predisposing syndrome. Also called: Tumor predisposition; Neoplastic Syndromes, Hereditary; Hereditary neoplastic syndrome; Hereditary Cancer Syndrome. Identifiers: Orphanet 140162, MedGen C0027672, MeSH D009386, MONDO:0015356.

Submissions (3):

Ambry Genetics
Classification: Uncertain significance for Hereditary cancer-predisposing syndrome. Last evaluated: 2025-08-19. Review status: criteria provided, single submitter. Criteria: Ambry Variant Classification Scheme 2023. Collection method: clinical testing. Allele origin: germline.
Comment: The p.A465P variant (also known as c.1393G>C), located in coding exon 4 of the MSH6 gene, results from a G to C substitution at nucleotide position 1393. The alanine at codon 465 is replaced by proline, an amino acid with highly similar properties. This amino acid position is conserved. In addition, this alteration is predicted to be deleterious by in silico analysis. Based on the available evidence, the clinical significance of this variant remains unclear.

Color Diagnostics, LLC DBA Color Health
Classification: Uncertain significance for Hereditary cancer-predisposing syndrome. Last evaluated: 2023-12-04. Review status: criteria provided, single submitter. Criteria: ACMG Guidelines, 2015. Collection method: clinical testing. Allele origin: germline.
Comment: This missense variant replaces alanine with proline at codon 465 of the MSH6 protein. Computational prediction suggests that this variant may have deleterious impact on protein structure and function (internally defined REVEL score threshold >= 0.7, PMID: 27666373). To our knowledge, functional studies have not been reported for this variant. This variant has not been reported in individuals affected with MSH6-related disorders in the literature. This variant has not been identified in the general population by the Genome Aggregation Database (gnomAD). The available evidence is insufficient to determine the role of this variant in disease conclusively. Therefore, this variant is classified as a Variant of Uncertain Significance.

Labcorp Genetics (formerly Invitae), Labcorp
Classification: Uncertain significance for Hereditary nonpolyposis colorectal neoplasms. Last evaluated: 2021-06-30. Review status: criteria provided, single submitter. Criteria: Invitae Variant Classification Sherloc (09022015). Collection method: clinical testing. Allele origin: germline.
Comment: This sequence change replaces alanine with proline at codon 465 of the MSH6 protein (p.Ala465Pro). The alanine residue is highly conserved and there is a small physicochemical difference between alanine and proline. This variant is not present in population databases (ExAC no frequency). This variant has not been reported in the literature in individuals with MSH6-related conditions. ClinVar contains an entry for this variant (Variation ID: 631370). Algorithms developed to predict the effect of missense changes on protein structure and function are either unavailable or do not agree on the potential impact of this missense change (SIFT: "Deleterious"; PolyPhen-2: "Probably Damaging"; Align-GVGD: "Class C0"). In summary, the available evidence is currently insufficient to determine the role of this variant in disease. Therefore, it has been classified as a Variant of Uncertain Significance.